The following is an entry in ClinVar:

NM_000384.3(APOB):c.3671G>A (p.Arg1224Gln)

Gene: APOB (apolipoprotein B; minus strand). Cytogenetic location: 2p24.1.
Variant type: single nucleotide variant.
Coding change: c.3671G>A on transcript NM_000384.3 (MANE Select); coding-DNA position 3671, G replaced by A.
Protein change: p.Arg1224Gln; replaces arginine 1224 with glutamine.
Molecular consequence: missense variant.
Genome position (GRCh38, 1-based): chr2:21,015,098, C>T on the plus strand (G>A on the coding strand, the complement: APOB is on the minus strand). VCF-style: chr2-21015098-C-T. GRCh37 (hg19) VCF-style: chr2-21237970-C-T.
Other names: short protein forms R1224Q.
Identifiers: ClinVar variation 630321 (VCV000630321.10), dbSNP rs530511188, ClinGen allele CA059282.
Genomic context (GRCh38, chr2:21,015,098, plus strand): 5'-TCCATGTATTTATTGACTGGCAGACTCATACTTACAACTATTAATTTGGAACCCACGTGC[C>T]GGAAAGTCATGTCTGTTTGAGGGACTCTGTGATCCAGGAGTCTATTAGCATACATATGCA-3'
Protein context (NP_000375.3, residues 1214-1234): HRVPQTDMTF[Arg1224Gln]HVGSKLIVAM

ClinVar aggregate classification (germline): Conflicting classifications of pathogenicity. Review status: criteria provided, conflicting classifications (1 of 4 stars). 4 submissions from 4 submitters: Uncertain significance (2); Likely benign (1). 1 of the submissions does not count toward it. Last evaluated 2025-11-12.

Conditions:
Cardiovascular phenotype. Identifiers: MedGen CN230736.
Hypercholesterolemia, autosomal dominant, type B (FHCL2). Also called: APOB-Related Familial Hypercholesterolemia, Autosomal Dominant; Hyperlipoproteinemia Type IIb; Familial Hypercholesterolemia Type B; APOLIPOPROTEIN B-100, FAMILIAL DEFECTIVE; APOLIPOPROTEIN B-100, FAMILIAL LIGAND-DEFECTIVE; Familial hypercholesterolemia 2. Identifiers: MedGen C1704417, MONDO:0007751, OMIM 144010.
Familial hypobetalipoproteinemia 1. Also called: APOB-Related Familial Hypobetalipoproteinemia; Hypobetalipoproteinemia, normotriglyceridemic; Acanthocytosis with hypobetalipoproteinemia. Identifiers: MedGen C4551990, MONDO:0014252, OMIM 615558.

Allele frequency attached by ClinVar (database versions not stated): gnomAD 0.00001 and 0.00002; ExAC 0.00002; gnomAD exomes 0.00002 and 0.00003.
gnomAD v4.1: 37 of 1,613,966 alleles (0.0023%); highest among the groups gnomAD compares: South Asian, 0.012%; no homozygotes.

Submissions (4):

Labcorp Genetics (formerly Invitae), Labcorp
Classification: Likely benign for Familial hypobetalipoproteinemia 1; Hypercholesterolemia, autosomal dominant, type B. Last evaluated: 2025-11-12. Review status: criteria provided, single submitter. Criteria: Invitae Variant Classification Sherloc (09022015). Collection method: clinical testing. Allele origin: germline.

Ambry Genetics
Classification: Uncertain significance for Cardiovascular phenotype. Last evaluated: 2025-06-01. Review status: criteria provided, single submitter. Criteria: Ambry Variant Classification Scheme 2023. Collection method: clinical testing. Allele origin: germline.
Comment: The p.R1224Q variant (also known as c.3671G>A), located in coding exon 23 of the APOB gene, results from a G to A substitution at nucleotide position 3671. The arginine at codon 1224 is replaced by glutamine, an amino acid with highly similar properties. This amino acid position is not well conserved in available vertebrate species, and glutamine is the reference amino acid in other vertebrate species. In addition, this alteration is predicted to be tolerated by in silico analysis. Since supporting evidence is limited at this time, the clinical significance of this alteration remains unclear.

Quest Diagnostics Nichols Institute San Juan Capistrano
Classification: Uncertain significance. Last evaluated: 2023-06-19. Review status: criteria provided, single submitter. Criteria: Quest Diagnostics criteria. Collection method: clinical testing. Allele origin: unknown.
Comment: To the best of our knowledge, this variant has not been reported in the published literature. The frequency of this variant in the general population, 0.000098 (3/30616 chromosomes (Genome Aggregation Database)), is uninformative in the assessment of its pathogenicity.. Analysis of this variant using bioinformatics tools for the prediction of the effect of amino acid changes on protein structure and function yielded predictions that this variant is benign. Based on the available information, we are unable to determine the clinical significance of this variant.

Amrita Institute of Medical Sciences and Research Centre, Amrita Vishwa Vidyapeetham
Classification: Uncertain significance for Cardiovascular phenotype. Last evaluated: 2023-05-02. Review status: no assertion criteria provided. Collection method: clinical testing. Allele origin: germline. Affected: yes. Not counted in ClinVar's aggregate classification.
Comment: This variant located in coding exon 23 of the APOB gene, results from a G to A substitution at nucleotide position 3671. The arginine at codon 1224 is replaced by glutaminethis variant has not been reported in the published literature.